The following is an entry in ClinVar:

ClinVar aggregate classification (germline): Pathogenic (1 of 4 stars; one submission).

gnomAD v4.1: 1 of 1,612,472 alleles (0.000062%); highest among the groups gnomAD compares: Non-Finnish European, 0.000085%; no homozygotes.

Submission:

CeGaT Center for Human Genetics Tuebingen
Classification: Pathogenic. Last evaluated: 2025-06-01. Review status: criteria provided, single submitter. Criteria: CeGaT Center For Human Genetics Tuebingen Variant Classification Criteria Version 2. Collection method: clinical testing. Allele origin: germline. Affected: yes. Observed: 2 variant alleles.
Comment: ECEL1: PVS1, PM2, PM3

NM_004826.4(ECEL1):c.1469G>A (p.Trp490Ter)

Gene: ECEL1 (endothelin converting enzyme like 1; minus strand). Cytogenetic location: 2q37.1.
Variant type: single nucleotide variant.
Coding change: c.1469G>A on transcript NM_004826.4 (MANE Select); coding-DNA position 1469, G replaced by A.
Protein change: p.Trp490Ter; replaces tryptophan 490 with a stop codon.
Molecular consequence: nonsense.
Genome position (GRCh38, 1-based): chr2:232,483,453, C>T on the plus strand (G>A on the coding strand, the complement: ECEL1 is on the minus strand). VCF-style: chr2-232483453-C-T. GRCh37 (hg19) VCF-style: chr2-233348163-C-T.
Other names: c.1469G>A, p.Trp490Ter (NM_001290787.2); short protein forms W490*.
Identifiers: ClinVar variation 3772465 (VCV003772465.13).